The following is an entry in ClinVar:

NM_023110.3(FGFR1):c.2049-1G>C

Gene: FGFR1 (fibroblast growth factor receptor 1; minus strand). Cytogenetic location: 8p11.23.
Variant type: single nucleotide variant.
Coding change: c.2049-1G>C on transcript NM_023110.3 (MANE Select); the canonical splice acceptor site of the intron before coding-DNA position 2049, G replaced by C.
Molecular consequence: splice acceptor variant.
Genome position (GRCh38, 1-based): chr8:38,414,290, C>G on the plus strand (G>C on the coding strand, the complement: FGFR1 is on the minus strand). VCF-style: chr8-38414290-C-G. GRCh37 (hg19) VCF-style: chr8-38271808-C-G.
Other names: c.1770-1G>C (NM_001354368.2); c.1776-1G>C (NM_001354370.2, NM_023106.3); c.1782-1G>C (NM_023105.3, NM_001174066.2); c.2043-1G>C (NM_001354367.2, NM_015850.4, NM_001174063.2 and 1 more transcripts); c.2019-1G>C (NM_001174064.2); c.2037-1G>C (NM_001354369.2, NM_001410922.1); c.2142-1G>C (NM_001174067.2).
Identifiers: ClinVar variation 3900651 (VCV003900651.1).

ClinVar aggregate classification (germline): Likely pathogenic (1 of 4 stars; one submission).

Conditions:
Hypogonadotropic hypogonadism 2 with or without anosmia (HH2). Also called: HYPOGONADOTROPIC HYPOGONADISM 2 WITH OR WITHOUT ANOSMIA, SUSCEPTIBILITY TO; HYPOGONADOTROPIC HYPOGONADISM 2 WITHOUT ANOSMIA, SUSCEPTIBILITY TO; HYPOGONADOTROPIC HYPOGONADISM 2 WITHOUT ANOSMIA; FGFR1-Related GnRH Deficiency (Kallmann Syndrome 2). Identifiers: Orphanet 478, MedGen C1563720, MONDO:0007844, OMIM 147950. Disease mechanism: loss of function.

Submission:

CGC Genetics, Unilabs
Classification: Likely pathogenic for Hypogonadotropic hypogonadism 2 with or without anosmia. Last evaluated: 2025-03-27. Review status: criteria provided, single submitter. Criteria: ACMG Guidelines, 2015. Collection method: clinical testing. Allele origin: germline. Inheritance: Autosomal dominant inheritance. Affected: yes. Observed: 1 variant allele.
Comment: The NM_023110.3:c.2049-1G>C p.? variant, detected in heterozygosity in the FGFR1 gene (chr.8), has been described in the literature in patients with hypogonadotropic hypogonadism, and its segregation has already been observed in a family (PMID: 20079901). This variant is reported in the gnomAD population database. Additionally, it is located at a canonical splice acceptor site in intron 15 (of 18 exons) within the tyrosine kinase receptor domain (PMID: 19224897). Bioinformatics analysis predicts an alteration in the normal splicing of exon 16, leading to an in-frame deletion of this exon. Furthermore, transcription studies confirm this splicing alteration in exon 16 (PMID: 20079901). With the information currently available, this should be classified as a likely pathogenic variant. ACMG codes: PVS1_strong; PP1_moderate; PM2_supporting.